The following is an entry in ClinVar:

ClinVar aggregate classification (germline): Conflicting classifications of pathogenicity. Review status: criteria provided, conflicting classifications (1 of 4 stars). 4 submissions from 4 submitters: Uncertain significance (1); Benign (1); Likely benign (2). Last evaluated 2025-11-27.

Conditions:
Tuberous sclerosis 2 (TSC2). Identifiers: Orphanet 805, MedGen C1860707, MONDO:0013199, OMIM 613254.
Isolated focal cortical dysplasia type II (FCORD2). Also called: CORTICAL DYSPLASIA OF TAYLOR; Focal cortical dysplasia type II. Identifiers: Orphanet 268994, MedGen C1846385, MONDO:0011818, OMIM 607341, HP:0032051.
Lymphangiomyomatosis (LAM). Also called: Lymphangioleiomyomatosis; Lymphangioleiomyomatosis, somatic. Identifiers: Orphanet 538, MedGen C0751674, MONDO:0011705, OMIM 606690.
Hereditary cancer-predisposing syndrome. Also called: Hereditary neoplastic syndrome; Neoplastic Syndromes, Hereditary; Tumor predisposition; Hereditary Cancer Syndrome. Identifiers: Orphanet 140162, MedGen C0027672, MeSH D009386, MONDO:0015356.

Allele frequency attached by ClinVar (database versions not stated): gnomAD exomes below 0.00001 and 0.00001; ExAC 0.00001.
gnomAD v4.1: 3 of 1,613,370 alleles (0.00019%); highest among the groups gnomAD compares: East Asian, 0.0067%; no homozygotes.

Submissions (4):

Labcorp Genetics (formerly Invitae), Labcorp
Classification: Benign for Tuberous sclerosis 2. Last evaluated: 2025-11-27. Review status: criteria provided, single submitter. Criteria: Invitae Variant Classification Sherloc (09022015). Collection method: clinical testing. Allele origin: germline.

Myriad Genetics, Inc.
Classification: Likely benign for Tuberous sclerosis 2. Last evaluated: 2024-08-14. Review status: criteria provided, single submitter. Criteria: Myriad Autosomal Dominant, Autosomal Recessive and X-Linked Classification Criteria (2023). Collection method: clinical testing. Allele origin: unknown.
Comment: This variant is considered likely benign. This variant has been observed at a population frequency that is significantly greater than expected given the associated disease prevalence and penetrance.

Fulgent Genetics
Classification: Uncertain significance for Lymphangiomyomatosis; Isolated focal cortical dysplasia type II; Tuberous sclerosis 2. Last evaluated: 2024-03-28. Review status: criteria provided, single submitter. Criteria: ACMG Guidelines, 2015. Collection method: clinical testing. Allele origin: germline.

Ambry Genetics
Classification: Likely benign for Hereditary cancer-predisposing syndrome. Last evaluated: 2023-12-28. Review status: criteria provided, single submitter. Criteria: Ambry Variant Classification Scheme 2023. Collection method: clinical testing. Allele origin: germline.

NM_000548.5(TSC2):c.2759T>C (p.Val920Ala)

Gene: TSC2 (TSC complex subunit 2; plus strand). Cytogenetic location: 16p13.3.
Variant type: single nucleotide variant.
Coding change: c.2759T>C on transcript NM_000548.5 (MANE Select); coding-DNA position 2759, T replaced by C.
Protein change: p.Val920Ala; replaces valine 920 with alanine.
Molecular consequence: missense variant.
Genome position (GRCh38, 1-based): chr16:2,076,507, T>C. VCF-style: chr16-2076507-T-C. GRCh37 (hg19) VCF-style: chr16-2126508-T-C.
Other names: c.2759T>C, p.Val920Ala (NM_001077183.3, NM_001114382.3, NM_001363528.2 and 3 more transcripts); c.2648T>C, p.Val883Ala (NM_001318827.2); c.2612T>C, p.Val871Ala (NM_001318829.2); c.2159T>C, p.Val720Ala (NM_001318831.2); c.2792T>C, p.Val931Ala (NM_001318832.2); short protein forms V920A, V931A, V871A, V720A, V883A.
Identifiers: ClinVar variation 467965 (VCV000467965.16), dbSNP rs749383639, ClinGen allele CA041795.